The following is an entry in ClinVar:

NM_152618.3(BBS12):c.1159C>T (p.Leu387Phe)

Gene: BBS12 (Bardet-Biedl syndrome 12; plus strand). Cytogenetic location: 4q27.
Variant type: single nucleotide variant.
Coding change: c.1159C>T on transcript NM_152618.3 (MANE Select); coding-DNA position 1159, C replaced by T.
Protein change: p.Leu387Phe; replaces leucine 387 with phenylalanine.
Molecular consequence: missense variant.
Genome position (GRCh38, 1-based): chr4:122,743,051, C>T. VCF-style: chr4-122743051-C-T. GRCh37 (hg19) VCF-style: chr4-123664206-C-T.
Other names: c.1159C>T, p.Leu387Phe (NM_001178007.2); short protein forms L387F.
Identifiers: ClinVar variation 2629458 (VCV002629458.3), dbSNP rs2485075491, ClinGen allele CA358224520.

ClinVar aggregate classification (germline): Uncertain significance. Review status: criteria provided, multiple submitters, no conflicts (2 of 4 stars). 3 submissions from 3 submitters: Uncertain significance (3). Last evaluated 2024-06-26.

Conditions:
Inborn genetic diseases. Identifiers: MedGen C0950123, MeSH D030342.
BBS12-related disorder. Also called: BBS12-related condition.

Allele frequency attached by ClinVar (database versions not stated): gnomAD exomes below 0.00001.

Submissions (3):

Ambry Genetics
Classification: Uncertain significance for Inborn genetic diseases. Last evaluated: 2024-06-26. Review status: criteria provided, single submitter. Criteria: Ambry Variant Classification Scheme 2023. Collection method: clinical testing. Allele origin: germline.

GeneDx
Classification: Uncertain significance. Last evaluated: 2024-02-21. Review status: criteria provided, single submitter. Criteria: GeneDx Variant Classification Process June 2021. Collection method: clinical testing. Allele origin: germline. Affected: yes.
Comment: Not observed at significant frequency in large population cohorts (gnomAD); In silico analysis supports that this missense variant does not alter protein structure/function; Has not been previously published as pathogenic or benign to our knowledge

PreventionGenetics, part of Exact Sciences
Classification: Uncertain significance for BBS12-related condition. Last evaluated: 2023-07-14. Review status: criteria provided, single submitter. Criteria: ACMG Guidelines, 2015. Collection method: clinical testing. Allele origin: germline.
Comment: The BBS12 c.1159C>T variant is predicted to result in the amino acid substitution p.Leu387Phe. To our knowledge, this variant has not been reported in the literature or in a large population database, indicating this variant is rare. At this time, the clinical significance of this variant is uncertain due to the absence of conclusive functional and genetic evidence.